The following is an entry in ClinVar:

ClinVar aggregate classification (germline): Uncertain significance (1 of 4 stars; one submission).

Allele frequency attached by ClinVar (database versions not stated): ExAC 0.00001; gnomAD exomes 0.00001.

Submission:

Labcorp Genetics (formerly Invitae), Labcorp
Classification: Uncertain significance. Last evaluated: 2021-12-02. Review status: criteria provided, single submitter. Criteria: Invitae Variant Classification Sherloc (09022015). Collection method: clinical testing. Allele origin: germline.
Comment: In summary, the available evidence is currently insufficient to determine the role of this variant in disease. Therefore, it has been classified as a Variant of Uncertain Significance. Algorithms developed to predict the effect of missense changes on protein structure and function are either unavailable or do not agree on the potential impact of this missense change (SIFT: "Tolerated"; PolyPhen-2: "Not Available"; Align-GVGD: "Class C0"). This variant has not been reported in the literature in individuals affected with SNRPB-related conditions. This variant is present in population databases (rs776712544, gnomAD 0.001%). This sequence change replaces proline, which is neutral and non-polar, with glutamine, which is neutral and polar, at codon 191 of the SNRPB protein (p.Pro191Gln).

NM_003091.4(SNRPB):c.572C>A (p.Pro191Gln)

Gene: SNRPB (small nuclear ribonucleoprotein polypeptides B and B1; minus strand). Cytogenetic location: 20p13.
Variant type: single nucleotide variant.
Coding change: c.572C>A on transcript NM_003091.4 (MANE Select); coding-DNA position 572, C replaced by A.
Protein change: p.Pro191Gln; replaces proline 191 with glutamine.
Molecular consequence: missense variant.
Genome position (GRCh38, 1-based): chr20:2,462,749, G>T on the plus strand (C>A on the coding strand, the complement: SNRPB is on the minus strand). VCF-style: chr20-2462749-G-T. GRCh37 (hg19) VCF-style: chr20-2443395-G-T.
Other names: c.572C>A, p.Pro191Gln (NM_198216.2); short protein forms P191Q.
Identifiers: ClinVar variation 1512600 (VCV001512600.8), dbSNP rs776712544, ClinGen allele CA9732393.